The following is an entry in ClinVar:

NM_001693.4(ATP6V1B2):c.1322A>C (p.Glu441Ala)

Gene: ATP6V1B2 (ATPase H+ transporting V1 subunit B2; plus strand). Cytogenetic location: 8p21.3.
Variant type: single nucleotide variant.
Coding change: c.1322A>C on transcript NM_001693.4 (MANE Select); coding-DNA position 1322, A replaced by C.
Protein change: p.Glu441Ala; replaces glutamic acid 441 with alanine.
Molecular consequence: missense variant.
Genome position (GRCh38, 1-based): chr8:20,218,208, A>C. VCF-style: chr8-20218208-A-C. GRCh37 (hg19) VCF-style: chr8-20075719-A-C.
Other names: DDOD; c.1322A>C (NM_001693.3); short protein forms E441A.
Identifiers: ClinVar variation 3393387 (VCV003393387.6).

ClinVar aggregate classification (germline): Conflicting classifications of pathogenicity. Review status: criteria provided, conflicting classifications (1 of 4 stars). 3 submissions from 3 submitters: Uncertain significance (1); Likely benign (2). Last evaluated 2026-02-01.

Conditions:
Autosomal dominant deafness - onychodystrophy syndrome. Also called: Deafness, congenital, with onychodystrophy, autosomal dominant; DDOD SYNDROME. Identifiers: Orphanet 3231, Orphanet 79499, MedGen C2675730, MONDO:0007420, OMIM 124480.
Inborn genetic diseases. Identifiers: MedGen C0950123, MeSH D030342.

gnomAD v4.1: 17 of 1,613,460 alleles (0.0011%); highest among the groups gnomAD compares: Admixed American, 0.02%; no homozygotes.

Submissions (3):

CeGaT Center for Human Genetics Tuebingen
Classification: Likely benign. Last evaluated: 2026-02-01. Review status: criteria provided, single submitter. Criteria: CeGaT Center For Human Genetics Tuebingen Variant Classification Criteria Version 2. Collection method: clinical testing. Allele origin: germline. Affected: yes. Observed: 1 variant allele.
Comment: ATP6V1B2: BS2

Ambry Genetics
Classification: Likely benign for Inborn genetic diseases. Last evaluated: 2025-08-24. Review status: criteria provided, single submitter. Criteria: Ambry Variant Classification Scheme 2023. Collection method: clinical testing. Allele origin: germline.

Laboratory of Prof. Karen Avraham, Tel Aviv University
Classification: Uncertain significance for Autosomal dominant deafness - onychodystrophy syndrome. Last evaluated: 2024-12-15. Review status: criteria provided, single submitter. Criteria: ACMG Guidelines, 2015. Collection method: research. Allele origin: germline. Affected: yes. Observed: 1 variant allele.
Comment: The ATP6V1B2 c.1322A>C:p.(Glu441Ala) heterozygous variant is predicted deleterious by most prediction tools and is very rare.